The following is an entry in ClinVar:

ClinVar aggregate classification (germline): Uncertain significance (1 of 4 stars; one submission).

Conditions:
MGAT2-congenital disorder of glycosylation. Also called: MGAT2-CDG; MENTAL RETARDATION, GROWTH RETARDATION, PROMINENT COLUMELLA, AND OPEN MOUTH; Alkuraya syndrome; Congenital disorder of glycosylation, type IIa; CDG IIa. Identifiers: Orphanet 79329, MedGen C2931008, MONDO:0008908, OMIM 212066.

Submission:

Labcorp Genetics (formerly Invitae), Labcorp
Classification: Uncertain significance for MGAT2-congenital disorder of glycosylation. Last evaluated: 2022-01-19. Review status: criteria provided, single submitter. Criteria: Invitae Variant Classification Sherloc (09022015). Collection method: clinical testing. Allele origin: germline.
Comment: This variant has not been reported in the literature in individuals affected with MGAT2-related conditions. In summary, the available evidence is currently insufficient to determine the role of this variant in disease. Therefore, it has been classified as a Variant of Uncertain Significance. Experimental studies and prediction algorithms are not available or were not evaluated, and the functional significance of this variant is currently unknown. This variant is not present in population databases (gnomAD no frequency). This sequence change creates a premature translational stop signal (p.Cys339Leufs*2) in the MGAT2 gene. While this is not anticipated to result in nonsense mediated decay, it is expected to disrupt the last 109 amino acid(s) of the MGAT2 protein.

NM_002408.4(MGAT2):c.1016_1020del (p.Cys339fs)

Gene: MGAT2 (alpha-1,6-mannosyl-glycoprotein 2-beta-N-acetylglucosaminyltransferase; plus strand). Cytogenetic location: 14q21.3.
Variant type: Deletion.
Coding change: c.1016_1020del on transcript NM_002408.4 (MANE Select); coding-DNA positions 1016 to 1020, 5 bases deleted (GTACT; older notation c.1016_1020delGTACT).
Protein change: p.Cys339fs; shifts the reading frame from cysteine 339.
Molecular consequence: frameshift variant.
Genome position (GRCh38, 1-based): chr14:49,622,284-49,622,288, GTACT deleted; deleting any 5 consecutive bases within chr14:49,622,282-49,622,288 gives the same sequence; the c. name uses the placement nearest the transcript's 3' end. VCF-style (leftmost placement, unchanged base first): chr14-49622281-TCTGTA-T. GRCh37 (hg19) VCF-style: chr14-50088999-TCTGTA-T.
Other names: short protein forms C339fs.
Identifiers: ClinVar variation 2088122 (VCV002088122.4), dbSNP rs2502744625, ClinGen allele CA2580088147.
Genomic context (GRCh38, chr14:49,622,281, plus strand): 5'-ATATGGGTCTAGCCTTGACCCGGAATGCCTATCAGAAGCTGATCGAGTGCACAGACACTT[TCTGTA>T]CTTATGATGATTATAACTGGGACTGGACTCTTCAATACTTGACTGTATCTTGTCTTCCAA-3'